The following is an entry in ClinVar:

ClinVar aggregate classification (germline): Uncertain significance (1 of 4 stars; one submission).

gnomAD v4.1: 2 of 1,608,130 alleles (0.00012%); highest among the groups gnomAD compares: Non-Finnish European, 0.00017%; no homozygotes.

Submission:

Labcorp Genetics (formerly Invitae), Labcorp
Classification: Uncertain significance. Last evaluated: 2022-07-05. Review status: criteria provided, single submitter. Criteria: Invitae Variant Classification Sherloc (09022015). Collection method: clinical testing. Allele origin: germline.
Comment: Algorithms developed to predict the effect of missense changes on protein structure and function are either unavailable or do not agree on the potential impact of this missense change (SIFT: "Tolerated"; PolyPhen-2: "Probably Damaging"; Align-GVGD: "Class C0"). In summary, the available evidence is currently insufficient to determine the role of this variant in disease. Therefore, it has been classified as a Variant of Uncertain Significance. This variant has not been reported in the literature in individuals affected with POC1B-related conditions. This variant is not present in population databases (gnomAD no frequency). This sequence change replaces asparagine, which is neutral and polar, with aspartic acid, which is acidic and polar, at codon 241 of the POC1B protein (p.Asn241Asp).

NM_172240.3(POC1B):c.721A>G (p.Asn241Asp)

Genes: POC1B (POC1 centriolar protein B; minus strand), POC1B-DUSP6 (POC1B-DUSP6 readthrough; minus strand). Cytogenetic location: 12q21.33.
Variant type: single nucleotide variant.
Coding change: c.721A>G on transcript NM_172240.3 (MANE Select); coding-DNA position 721, A replaced by G.
Protein change: p.Asn241Asp; replaces asparagine 241 with aspartic acid.
Molecular consequence: missense variant. On other transcripts: non-coding transcript variant (2).
Genome position (GRCh38, 1-based): chr12:89,470,450, T>C on the plus strand (A>G on the coding strand, the complement: POC1B is on the minus strand). VCF-style: chr12-89470450-T-C. GRCh37 (hg19) VCF-style: chr12-89864227-T-C.
Other names: c.595A>G, p.Asn199Asp (NM_001199777.2); short protein forms N199D, N241D.
Identifiers: ClinVar variation 2093153 (VCV002093153.4), dbSNP rs1050227364, ClinGen allele CA241201481.